The following is an entry in ClinVar:

NM_000238.4(KCNH2):c.1964T>A (p.Ile655Asn)

Gene: KCNH2 (potassium voltage-gated channel subfamily H member 2; minus strand). Cytogenetic location: 7q36.1.
Variant type: single nucleotide variant.
Coding change: c.1964T>A on transcript NM_000238.4 (MANE Select); coding-DNA position 1964, T replaced by A.
Protein change: p.Ile655Asn; replaces isoleucine 655 with asparagine.
Molecular consequence: missense variant. On other transcripts: non-coding transcript variant (2).
Genome position (GRCh38, 1-based): chr7:150,951,102, A>T on the plus strand (T>A on the coding strand, the complement: KCNH2 is on the minus strand). VCF-style: chr7-150951102-A-T. GRCh37 (hg19) VCF-style: chr7-150648190-A-T.
Other names: c.944T>A, p.Ile315Asn (NM_001204798.2, NM_172057.3); c.1676T>A, p.Ile559Asn (NM_001406753.1, NM_001406756.1); c.1787T>A, p.Ile596Asn (NM_001406755.1); c.1664T>A, p.Ile555Asn (NM_001406757.1); c.1964T>A, p.Ile655Asn (NM_172056.3); short protein forms I315N, I555N, I559N, I596N, I655N.
Identifiers: ClinVar variation 3382540 (VCV003382540.2).

ClinVar aggregate classification (germline): Likely pathogenic (1 of 4 stars; one submission).

Conditions:
Long QT syndrome 2 (LQT2). Identifiers: Orphanet 101016, Orphanet 768, MedGen C3150943, MONDO:0013367, OMIM 613688.

Submission:

Juno Genomics, Hangzhou Juno Genomics, Inc
Classification: Likely pathogenic for Long QT syndrome 2. Review status: criteria provided, single submitter. Criteria: ACMG Guidelines, 2015. Collection method: clinical testing. Allele origin: germline. Affected: yes.
Comment: Absent from controls (or at extremely low frequency if recessive) in Genome Aggregation Database, Exome Sequencing Project, 1000 Genomes Project, or Exome Aggregation Consortium.;Missense variant in a gene that has a low rate of benign missense variation and where missense variants are a common mechanism of disease.;Multiple lines of computational evidence support a deleterious effect on the gene or gene product (conservation, evolutionary, splicing impact, etc).;De novo (both maternity and paternity confirmed) in a patient with the disease and no family history.